The following is an entry in ClinVar:

ClinVar aggregate classification (germline): Uncertain significance (1 of 4 stars; one submission).

gnomAD v4.1: 1 of 1,614,240 alleles (0.000062%); highest among the groups gnomAD compares: Non-Finnish European, 0.000085%; no homozygotes.

Submission:

Labcorp Genetics (formerly Invitae), Labcorp
Classification: Uncertain significance. Last evaluated: 2025-12-01. Review status: criteria provided, single submitter. Criteria: Invitae Variant Classification Sherloc (09022015). Collection method: clinical testing. Allele origin: germline.
Comment: This sequence change replaces alanine, which is neutral and non-polar, with aspartic acid, which is acidic and polar, at codon 1682 of the SRCAP protein (p.Ala1682Asp). This variant is not present in population databases (gnomAD no frequency). This variant has not been reported in the literature in individuals affected with SRCAP-related conditions. Invitae Evidence Modeling of protein sequence and biophysical properties (such as structural, functional, and spatial information, amino acid conservation, physicochemical variation, residue mobility, and thermodynamic stability) indicates that this missense variant is not expected to disrupt SRCAP protein function with a negative predictive value of 80%. In summary, the available evidence is currently insufficient to determine the role of this variant in disease. Therefore, it has been classified as a Variant of Uncertain Significance.

NM_006662.3(SRCAP):c.5045C>A (p.Ala1682Asp)

Gene: SRCAP (Snf2 related CREBBP activator protein; plus strand). Cytogenetic location: 16p11.2.
Variant type: single nucleotide variant.
Coding change: c.5045C>A on transcript NM_006662.3 (MANE Select); coding-DNA position 5045, C replaced by A.
Protein change: p.Ala1682Asp; replaces alanine 1682 with aspartic acid.
Molecular consequence: missense variant.
Genome position (GRCh38, 1-based): chr16:30,724,469, C>A. VCF-style: chr16-30724469-C-A. GRCh37 (hg19) VCF-style: chr16-30735790-C-A.
Other names: short protein forms A1682D.
Identifiers: ClinVar variation 4744721 (VCV004744721.1).